The following is an entry in ClinVar:

NM_000094.4(COL7A1):c.3670C>T (p.Gln1224Ter)

Gene: COL7A1 (collagen type VII alpha 1 chain; minus strand). Cytogenetic location: 3p21.31.
Variant type: single nucleotide variant.
Coding change: c.3670C>T on transcript NM_000094.4 (MANE Select); coding-DNA position 3670, C replaced by T.
Protein change: p.Gln1224Ter; replaces glutamine 1224 with a stop codon.
Molecular consequence: nonsense.
Genome position (GRCh38, 1-based): chr3:48,586,127, G>A on the plus strand (C>T on the coding strand, the complement: COL7A1 is on the minus strand). VCF-style: chr3-48586127-G-A. GRCh37 (hg19) VCF-style: chr3-48623560-G-A.
Other names: short protein forms Q1224*.
Identifiers: ClinVar variation 5015625 (VCV005015625.1).

ClinVar aggregate classification (germline): Pathogenic (1 of 4 stars; one submission).

Conditions:
Recessive dystrophic epidermolysis bullosa (RDEB). Also called: DYSTROPHIC EPIDERMOLYSIS BULLOSA, AUTOSOMAL RECESSIVE; EPIDERMOLYSIS BULLOSA DYSTROPHICA, HALLOPEAU-SIEMENS TYPE; Hallopeau-Siemens Disease; severe generalized recessive dystrophic epidermolysis bullosa; EPIDERMOLYSIS BULLOSA DYSTROPHICA, GENERALIZED SEVERE, AUTOSOMAL RECESSIVE; Epidermolysis Bullosa Distrophica Autosomal Recessive (RDEB). Identifiers: Orphanet 79408, Orphanet 79409, MedGen C0079474, MONDO:0009179, OMIM 226600.

gnomAD v4.1: 1 of 1,613,502 alleles (0.000062%); highest among the groups gnomAD compares: South Asian, 0.0011%; no homozygotes.

Submission:

Myriad Genetics, Inc.
Classification: Pathogenic for Recessive dystrophic epidermolysis bullosa. Last evaluated: 2026-03-02. Review status: criteria provided, single submitter. Criteria: Myriad Autosomal Dominant, Autosomal Recessive and X-Linked Classification Criteria (2023). Collection method: clinical testing. Allele origin: unknown.
Comment: NM_000094.3(COL7A1):c.3670C>T(Q1224*) is expected to be pathogenic in the context of dystrophic epidermolysis bullosa. This variant is predicted to lead to an abnormal or absent protein product due to the creation of a premature termination codon in COL7A1, a gene where loss-of-function variants are known to be pathogenic. Please note: this variant was assessed in the context of healthy population screening.